The following is an entry in ClinVar:

NM_000090.4(COL3A1):c.1461C>T (p.Ala487=)

Gene: COL3A1 (collagen type III alpha 1 chain; plus strand). Cytogenetic location: 2q32.2.
Variant type: single nucleotide variant.
Coding change: c.1461C>T on transcript NM_000090.4 (MANE Select); coding-DNA position 1461, C replaced by T.
Protein change: p.Ala487=; no amino-acid change (alanine 487 retained).
Molecular consequence: synonymous variant.
Genome position (GRCh38, 1-based): chr2:188,995,051, C>T. VCF-style: chr2-188995051-C-T. GRCh37 (hg19) VCF-style: chr2-189859777-C-T.
Identifiers: ClinVar variation 381913 (VCV000381913.50), dbSNP rs747522483, ClinGen allele CA074346.

ClinVar aggregate classification (germline): Conflicting classifications of pathogenicity. Review status: criteria provided, conflicting classifications (1 of 4 stars). 6 submissions from 6 submitters: Uncertain significance (1); Likely benign (5). Last evaluated 2024-11-18.

Conditions:
Ehlers-Danlos syndrome, type 4 (EDSVASC). Also called: Ehlers-Danlos Syndrome Type IV; Ehlers-Danlos syndrome vascular type; Ehlers Danlos syndrome, ecchymotic type; Ehlers Danlos syndrome, arterial type; Ehlers Danlos syndrome, Sack-Barabas type. Identifiers: Orphanet 286, MedGen C0268338, MONDO:0017314, OMIM 130050.
Familial thoracic aortic aneurysm and aortic dissection (TAAD). Also called: Thoracic aortic aneurysms and dissections. Identifiers: Orphanet 91387, MedGen C4707243, MONDO:0019625.

Allele frequency attached by ClinVar (database versions not stated): gnomAD exomes 0.00002.
gnomAD v4.1: 24 of 1,614,060 alleles (0.0015%); highest among the groups gnomAD compares: Non-Finnish European, 0.0019%; no homozygotes.

Submissions (6):

Ambry Genetics
Classification: Likely benign for Familial thoracic aortic aneurysm and aortic dissection. Last evaluated: 2024-11-18. Review status: criteria provided, single submitter. Criteria: Ambry Variant Classification Scheme 2023. Collection method: clinical testing. Allele origin: germline.

Labcorp Genetics (formerly Invitae), Labcorp
Classification: Likely benign for Ehlers-Danlos syndrome, type 4. Last evaluated: 2024-03-08. Review status: criteria provided, single submitter. Criteria: Invitae Variant Classification Sherloc (09022015). Collection method: clinical testing. Allele origin: germline.

All of Us Research Program, National Institutes of Health
Classification: Likely benign for Ehlers-Danlos syndrome, type 4. Last evaluated: 2023-04-15. Review status: criteria provided, single submitter. Criteria: ACMG Guidelines, 2015. Collection method: clinical testing. Allele origin: germline. Inheritance: Autosomal dominant inheritance. Observed: 2 variant alleles, 2 heterozygotes.
Comment: This study involves interpretation of variants in research participants for the purpose of population health screening. Participant phenotype was not available at the time of variant classification. Additional details can be found in publication PMID: 35346344, PMCID: PMC8962531

Color Diagnostics, LLC DBA Color Health
Classification: Likely benign for Familial thoracic aortic aneurysm and aortic dissection. Last evaluated: 2019-06-03. Review status: criteria provided, single submitter. Criteria: ACMG Guidelines, 2015. Collection method: clinical testing. Allele origin: germline.

CeGaT Center for Human Genetics Tuebingen
Classification: Uncertain significance. Last evaluated: 2016-06-01. Review status: criteria provided, single submitter. Criteria: CeGaT Center For Human Genetics Tuebingen Variant Classification Criteria Version 2. Collection method: clinical testing. Allele origin: germline. Affected: yes. Observed: 1 variant allele.

GeneDx
Classification: Likely benign. Last evaluated: 2015-11-18. Review status: criteria provided, single submitter. Criteria: GeneDx Variant Classification (06012015). Collection method: clinical testing. Allele origin: germline. Affected: yes.
Comment: This variant is considered likely benign or benign based on one or more of the following criteria: it is a conservative change, it occurs at a poorly conserved position in the protein, it is predicted to be benign by multiple in silico algorithms, and/or has population frequency not consistent with disease.